The following is an entry in ClinVar:

NM_001829.4(CLCN3):c.1948C>G (p.His650Asp)

Gene: CLCN3 (Cl-/H+ antiporter 3; plus strand). Cytogenetic location: 4q33.
Variant type: single nucleotide variant.
Coding change: c.1948C>G on transcript NM_001829.4 (MANE Select); coding-DNA position 1948, C replaced by G.
Protein change: p.His650Asp; replaces histidine 650 with aspartic acid.
Molecular consequence: missense variant.
Genome position (GRCh38, 1-based): chr4:169,707,065, C>G. VCF-style: chr4-169707065-C-G. GRCh37 (hg19) VCF-style: chr4-170628216-C-G.
Other names: c.1867C>G, p.His623Asp (NM_001243372.2, NM_001243374.2); c.1948C>G, p.His650Asp (NM_173872.4); short protein forms H623D, H650D.
Identifiers: ClinVar variation 5006752 (VCV005006752.2).

ClinVar aggregate classification (germline): Uncertain significance (1 of 4 stars; one submission).

Conditions:
Neurodevelopmental disorder with seizures and brain abnormalities. Identifiers: MedGen C5561979, MONDO:0859188, OMIM 619517.

Submission:

Juno Genomics, Hangzhou Juno Genomics, Inc
Classification: Uncertain significance for Neurodevelopmental disorder with seizures and brain abnormalities. Review status: criteria provided, single submitter. Criteria: ACMG Guidelines, 2015. Collection method: clinical testing. Allele origin: germline.
Comment: Missense variant in a gene that has a low rate of benign missense variation.;Multiple lines of computational evidence support a deleterious effect on the gene or gene product.;Absent from controls (or at extremely low frequency if recessive) in Genome Aggregation Database.